The following is an entry in ClinVar:

ClinVar aggregate classification (germline): Uncertain significance (1 of 4 stars; one submission).

gnomAD v4.1: 27 of 1,612,854 alleles (0.0017%); highest among the groups gnomAD compares: Non-Finnish European, 0.0023%; no homozygotes.

Submission:

Labcorp Genetics (formerly Invitae), Labcorp
Classification: Uncertain significance. Last evaluated: 2025-08-24. Review status: criteria provided, single submitter. Criteria: Invitae Variant Classification Sherloc (09022015). Collection method: clinical testing. Allele origin: germline.
Comment: This sequence change replaces aspartic acid, which is acidic and polar, with glutamic acid, which is acidic and polar, at codon 98 of the GCKR protein (p.Asp98Glu). This variant is not present in population databases (gnomAD no frequency). This variant has not been reported in the literature in individuals affected with GCKR-related conditions. Invitae Evidence Modeling of protein sequence and biophysical properties (such as structural, functional, and spatial information, amino acid conservation, physicochemical variation, residue mobility, and thermodynamic stability) indicates that this missense variant is not expected to disrupt GCKR protein function with a negative predictive value of 80%. In summary, the available evidence is currently insufficient to determine the role of this variant in disease. Therefore, it has been classified as a Variant of Uncertain Significance.

NM_001486.4(GCKR):c.294T>A (p.Asp98Glu)

Gene: GCKR (glucokinase regulator; plus strand). Cytogenetic location: 2p23.3.
Variant type: single nucleotide variant.
Coding change: c.294T>A on transcript NM_001486.4 (MANE Select); coding-DNA position 294, T replaced by A.
Protein change: p.Asp98Glu; replaces aspartic acid 98 with glutamic acid.
Molecular consequence: missense variant.
Genome position (GRCh38, 1-based): chr2:27,498,263, T>A. VCF-style: chr2-27498263-T-A. GRCh37 (hg19) VCF-style: chr2-27721130-T-A.
Other names: short protein forms D98E.
Identifiers: ClinVar variation 4751509 (VCV004751509.1).